The following is an entry in ClinVar:

ClinVar aggregate classification (germline): Likely benign. Review status: criteria provided, multiple submitters, no conflicts (2 of 4 stars). 4 submissions from 4 submitters: Likely benign (4). Last evaluated 2026-02-04.

Conditions:
Catecholaminergic polymorphic ventricular tachycardia (CVPT). Also called: Catecholamine-induced polymorphic ventricular tachycardia. Identifiers: Orphanet 3286, MedGen C5574922, MONDO:0017990.
Cardiomyopathy (CMYO). Also called: Cardiomyopathies. Identifiers: Orphanet 167848, MedGen C0878544, MONDO:0004994, HP:0001638. Inheritance: Various modes of inheritance.
Catecholaminergic polymorphic ventricular tachycardia 1. Also called: VENTRICULAR TACHYCARDIA, CATECHOLAMINERGIC POLYMORPHIC, 1, WITH OR WITHOUT ATRIAL DYSFUNCTION AND/OR DILATED CARDIOMYOPATHY; RYR2-Related Catecholaminergic Polymorphic Ventricular Tachycardia; VENTRICULAR TACHYCARDIA, STRESS-INDUCED POLYMORPHIC 1. Identifiers: Orphanet 3286, MedGen C1631597, MONDO:0011484, OMIM 604772.

Allele frequency attached by ClinVar (database versions not stated): gnomAD 0.00001; gnomAD exomes 0.00001 and 0.00002; TOPMed 0.00003.
gnomAD v4.1: 25 of 1,598,388 alleles (0.0016%); highest among the groups gnomAD compares: Middle Eastern, 0.13%; no homozygotes.

Submissions (4):

Labcorp Genetics (formerly Invitae), Labcorp
Classification: Likely benign for Catecholaminergic polymorphic ventricular tachycardia 1. Last evaluated: 2026-02-04. Review status: criteria provided, single submitter. Criteria: Invitae Variant Classification Sherloc (09022015). Collection method: clinical testing. Allele origin: germline.

All of Us Research Program, National Institutes of Health
Classification: Likely benign for Catecholaminergic polymorphic ventricular tachycardia. Last evaluated: 2023-12-18. Review status: criteria provided, single submitter. Criteria: ACMG Guidelines, 2015. Collection method: clinical testing. Allele origin: germline. Inheritance: Autosomal dominant inheritance. Observed: 5 variant alleles, 5 heterozygotes.
Comment: This study involves interpretation of variants in research participants for the purpose of population health screening. Participant phenotype was not available at the time of variant classification. Additional details can be found in publication PMID: 35346344, PMCID: PMC8962531

GeneDx
Classification: Likely benign. Last evaluated: 2021-03-15. Review status: criteria provided, single submitter. Criteria: GeneDx Variant Classification Process June 2021. Collection method: clinical testing. Allele origin: germline. Affected: yes.

Color Diagnostics, LLC DBA Color Health
Classification: Likely benign for Cardiomyopathy. Last evaluated: 2018-11-13. Review status: criteria provided, single submitter. Criteria: ACMG Guidelines, 2015. Collection method: clinical testing. Allele origin: germline.

NM_001035.3(RYR2):c.2614-12T>C

Gene: RYR2 (ryanodine receptor 2; plus strand). Cytogenetic location: 1q43.
Variant type: single nucleotide variant.
Coding change: c.2614-12T>C on transcript NM_001035.3 (MANE Select); 12 bases into the intron before coding-DNA position 2614, T replaced by C.
Molecular consequence: intron variant.
Genome position (GRCh38, 1-based): chr1:237,506,698, T>C. VCF-style: chr1-237506698-T-C. GRCh37 (hg19) VCF-style: chr1-237669998-T-C.
Identifiers: ClinVar variation 923669 (VCV000923669.14), dbSNP rs928458049, ClinGen allele CA39782150.